The following is an entry in ClinVar:

ClinVar aggregate classification (germline): Conflicting classifications of pathogenicity. Review status: criteria provided, conflicting classifications (1 of 4 stars). 3 submissions from 3 submitters: Uncertain significance (1); Likely benign (2). Last evaluated 2023-03-09.

Conditions:
Hereditary cancer-predisposing syndrome. Also called: Tumor predisposition; Neoplastic Syndromes, Hereditary; Hereditary Cancer Syndrome; Hereditary neoplastic syndrome. Identifiers: Orphanet 140162, MedGen C0027672, MeSH D009386, MONDO:0015356.
Haddad syndrome (OHD). Also called: Ondine-Hirschsprung disease. Identifiers: Orphanet 99803, MedGen C1859049, MONDO:0020493.

Allele frequency attached by ClinVar (database versions not stated): gnomAD exomes below 0.00001; ExAC 0.00001.
gnomAD v4.1: 1 of 1,612,718 alleles (0.000062%); highest among the groups gnomAD compares: Non-Finnish European, 0.000085%; no homozygotes.

Submissions (3):

Ambry Genetics
Classification: Likely benign for Hereditary cancer-predisposing syndrome. Last evaluated: 2023-03-09. Review status: criteria provided, single submitter. Criteria: Ambry Variant Classification Scheme 2023. Collection method: clinical testing. Allele origin: germline.

Labcorp Genetics (formerly Invitae), Labcorp
Classification: Likely benign for Haddad syndrome. Last evaluated: 2021-08-27. Review status: criteria provided, single submitter. Criteria: Invitae Variant Classification Sherloc (09022015). Collection method: clinical testing. Allele origin: germline.

Sema4
Classification: Uncertain significance for Hereditary cancer-predisposing syndrome. Last evaluated: 2021-05-20. Review status: criteria provided, single submitter. Criteria: Sema4 Curation Guidelines. Collection method: curation. Allele origin: germline.
Comment: The PHOX2B c.42C>T (p.Y14=) variant has not been reported in the literature to our knowledge. It was observed in 1/113386 chromosomes of the Non-Finnish European subpopulation in the large and broad cohorts of the Genome Aggregation Database (PMID: 32461654). The variant has not been reported in ClinVar. The variant involves a highly conserved nucleotide and in silico splicing tools predict the variant does not affect normal splicing. The evidence is insufficient to meet ACMG/AMP criteria for classifying the variant as benign or pathogenic. Thus, the clinical significance of this variant is currently uncertain.

NM_003924.4(PHOX2B):c.42C>T (p.Tyr14=)

Genes: PHOX2B (paired like homeobox 2B; minus strand), PHOX2B-AS1 (PHOX2B antisense RNA 1; plus strand). Cytogenetic location: 4p13.
Variant type: single nucleotide variant.
Coding change: c.42C>T on transcript NM_003924.4 (MANE Select); coding-DNA position 42, C replaced by T.
Protein change: p.Tyr14=; no amino-acid change (tyrosine 14 retained).
Molecular consequence: synonymous variant.
Genome position (GRCh38, 1-based): chr4:41,748,569, G>A on the plus strand (C>T on the coding strand, the complement: PHOX2B is on the minus strand). VCF-style: chr4-41748569-G-A. GRCh37 (hg19) VCF-style: chr4-41750586-G-A.
Identifiers: ClinVar variation 1579117 (VCV001579117.10), dbSNP rs775101470, ClinGen allele CA2901615.
Genomic context (GRCh38, chr4:41,748,569, plus strand): 5'-ACTGAAGTCAGCATAGGCTGAAGCCAGGCTCGAGGTGTCCATCCCAGCCATACAGGACTC[G>A]TAGGCAGAGGAATTGAGGTAAGAATATTCCATTTTATACATTGAAAAGGTTCTGGATGGC-3'
Protein context (NP_003915.2, residues 4-24): MEYSYLNSSA[Tyr14=]ESCMAGMDTS